The following is an entry in ClinVar:

NM_000135.4(FANCA):c.691G>A (p.Ala231Thr)

Gene: FANCA (FA complementation group A; minus strand). Cytogenetic location: 16q24.3.
Variant type: single nucleotide variant.
Coding change: c.691G>A on transcript NM_000135.4 (MANE Select); coding-DNA position 691, G replaced by A.
Protein change: p.Ala231Thr; replaces alanine 231 with threonine.
Molecular consequence: missense variant.
Genome position (GRCh38, 1-based): chr16:89,805,298, C>T on the plus strand (G>A on the coding strand, the complement: FANCA is on the minus strand). VCF-style: chr16-89805298-C-T. GRCh37 (hg19) VCF-style: chr16-89871706-C-T.
Other names: c.691G>A (LRG_495t1); c.691G>A, p.Ala231Thr (NM_001018112.3, NM_001286167.3); c.595G>A, p.Ala199Thr (NM_001351830.2); short protein forms A231T, A199T.
Identifiers: ClinVar variation 456136 (VCV000456136.3), dbSNP rs746814384, ClinGen allele CA397477766.
Genomic context (GRCh38, chr16:89,805,298, plus strand): 5'-AATGAGTTTTACCCAAGAACCCGCATCTTGTCATGAACGCACCAGAAAGCATGGCCCTGG[C>T]GACGTCAGCATGCTGGCAGGATGCTTCCATCTGTTCACAAAGGCAGCACAGATTCCTGAA-3'
Protein context (NP_000126.2, residues 221-241): MEASCQHADV[Ala231Thr]RAMLSDFVQM

ClinVar aggregate classification (germline): Uncertain significance. Review status: criteria provided, multiple submitters, no conflicts (2 of 4 stars). 2 submissions from 2 submitters: Uncertain significance (2). Last evaluated 2022-08-21.

Conditions:
Fanconi anemia (FA). Also called: Fanconi's anemia. Identifiers: Orphanet 84, MedGen C0015625, MeSH D005199, MONDO:0019391.
Fanconi anemia complementation group A (FANCA). Also called: Fanconi anemia, group A; FANCA-Related Fanconi Anemia. Identifiers: Orphanet 84, MedGen C3469521, MONDO:0009215, OMIM 227650.

gnomAD v4.1: 12 of 1,613,512 alleles (0.00074%); highest among the groups gnomAD compares: East Asian, 0.0022%; no homozygotes.

Submissions (2):

Labcorp Genetics (formerly Invitae), Labcorp
Classification: Uncertain significance for Fanconi anemia. Last evaluated: 2022-08-21. Review status: criteria provided, single submitter. Criteria: Invitae Variant Classification Sherloc (09022015). Collection method: clinical testing. Allele origin: germline.
Comment: This sequence change replaces alanine, which is neutral and non-polar, with threonine, which is neutral and polar, at codon 231 of the FANCA protein (p.Ala231Thr). The frequency data for this variant in the population databases is considered unreliable, as metrics indicate poor data quality at this position in the gnomAD database. This variant has not been reported in the literature in individuals affected with FANCA-related conditions. ClinVar contains an entry for this variant (Variation ID: 456136). Advanced modeling of protein sequence and biophysical properties (such as structural, functional, and spatial information, amino acid conservation, physicochemical variation, residue mobility, and thermodynamic stability) performed at Invitae indicates that this missense variant is not expected to disrupt FANCA protein function. In summary, the available evidence is currently insufficient to determine the role of this variant in disease. Therefore, it has been classified as a Variant of Uncertain Significance.

Fulgent Genetics
Classification: Uncertain significance for Fanconi anemia complementation group A. Last evaluated: 2022-01-10. Review status: criteria provided, single submitter. Criteria: ACMG Guidelines, 2015. Collection method: clinical testing. Allele origin: unknown.